The following is an entry in ClinVar:

NM_001271.4(CHD2):c.4535G>A (p.Arg1512Gln)

Gene: CHD2 (chromodomain helicase DNA binding protein 2; plus strand). Cytogenetic location: 15q26.1.
Variant type: single nucleotide variant.
Coding change: c.4535G>A on transcript NM_001271.4 (MANE Select); coding-DNA position 4535, G replaced by A.
Protein change: p.Arg1512Gln; replaces arginine 1512 with glutamine.
Molecular consequence: missense variant.
Genome position (GRCh38, 1-based): chr15:93,009,266, G>A. VCF-style: chr15-93009266-G-A. GRCh37 (hg19) VCF-style: chr15-93552496-G-A.
Other names: short protein forms R1512Q.
Identifiers: ClinVar variation 421842 (VCV000421842.2), dbSNP rs1064795397, ClinGen allele CA16620057.

ClinVar aggregate classification (germline): Uncertain significance (1 of 4 stars; one submission).

Allele frequency attached by ClinVar (database versions not stated): gnomAD exomes below 0.00001; TOPMed 0.00001.
gnomAD v4.1: 6 of 1,614,198 alleles (0.00037%); highest among the groups gnomAD compares: Non-Finnish European, 0.00051%; no homozygotes.

Submission:

GeneDx
Classification: Uncertain significance. Last evaluated: 2016-08-02. Review status: criteria provided, single submitter. Criteria: GeneDx Variant Classification (06012015). Collection method: clinical testing. Allele origin: germline. Affected: yes.
Comment: A variant of uncertain significance has been identified in the CHD2 gene. The R1512Q variant has not been published as a pathogenic variant, nor has it been reported as a benign variant to our knowledge. It was not observed in approximately 6,500 individuals of European and African American ancestry in the NHLBI Exome Sequencing Project, indicating it is not a common benign variant in these populations. The R1512Q variant is a semi-conservative amino acid substitution, which may impact secondary protein structure as these residues differ in some properties. This substitution occurs at a position that is conserved across species. However, in silico analysis is inconsistent in its predictions as to whether or not the variant is damaging to the protein structure/function. Therefore, based on the currently available information, it is unclear whether this variant is a pathogenic variant or a rare benign variant.